The following is an entry in ClinVar:

NM_177438.3(DICER1):c.1049C>T (p.Thr350Ile)

Gene: DICER1 (dicer 1, ribonuclease III; minus strand). Cytogenetic location: 14q32.13.
Variant type: single nucleotide variant.
Coding change: c.1049C>T on transcript NM_177438.3 (MANE Select); coding-DNA position 1049, C replaced by T.
Protein change: p.Thr350Ile; replaces threonine 350 with isoleucine.
Molecular consequence: missense variant. On other transcripts: 5 prime UTR variant (1), non-coding transcript variant (6).
Genome position (GRCh38, 1-based): chr14:95,124,523, G>A on the plus strand (C>T on the coding strand, the complement: DICER1 is on the minus strand). VCF-style: chr14-95124523-G-A. GRCh37 (hg19) VCF-style: chr14-95590860-G-A.
Other names: c.1049C>T, p.Thr350Ile (NM_001291628.2, NM_001395677.1, NM_001395678.1 and 14 more transcripts); c.767C>T, p.Thr256Ile (NM_001395686.1); c.644C>T, p.Thr215Ile (NM_001395687.1, NM_001395688.1, NM_001395689.1 and 3 more transcripts); c.482C>T, p.Thr161Ile (NM_001395691.1); c.-520C>T (NM_001395697.1); short protein forms T161I, T256I, T215I, T350I.
Identifiers: ClinVar variation 5035236 (VCV005035236.1).

ClinVar aggregate classification (germline): Uncertain significance (1 of 4 stars; one submission).

Conditions:
Hereditary cancer-predisposing syndrome. Also called: Hereditary Cancer Syndrome; Neoplastic Syndromes, Hereditary; Tumor predisposition; Hereditary neoplastic syndrome. Identifiers: Orphanet 140162, MedGen C0027672, MeSH D009386, MONDO:0015356.

gnomAD v4.1: 1 of 1,614,062 alleles (0.000062%); highest among the groups gnomAD compares: Non-Finnish European, 0.000085%; no homozygotes.

Submission:

Ambry Genetics
Classification: Uncertain significance for Hereditary cancer-predisposing syndrome. Last evaluated: 2026-06-26. Review status: criteria provided, single submitter. Criteria: Ambry Variant Classification Scheme 2023. Collection method: clinical testing. Allele origin: germline.
Comment: The p.T350I variant (also known as c.1049C>T), located in coding exon 7 of the DICER1 gene, results from a C to T substitution at nucleotide position 1049. The threonine at codon 350 is replaced by isoleucine, an amino acid with similar properties. This amino acid position is conserved. In addition, the in silico prediction for this alteration is inconclusive. Based on the available evidence, the clinical significance of this variant remains unclear.